The following is an entry in ClinVar:

ClinVar aggregate classification (germline): Pathogenic/Likely pathogenic. Review status: criteria provided, multiple submitters, no conflicts (2 of 4 stars). 5 submissions from 5 submitters: Pathogenic (2); Likely pathogenic (2). 1 of the submissions does not count toward it. Last evaluated 2024-07-18.

Conditions:
Methylmalonic aciduria due to methylmalonyl-CoA mutase deficiency (MAMM). Also called: Methylmalonic aciduria, mut type. Identifiers: Orphanet 27, MedGen C1855114, MONDO:0009612, OMIM 251000.
Methylmalonic aciduria due to complete methylmalonyl-CoA mutase deficiency.

Allele frequency attached by ClinVar (database versions not stated): gnomAD exomes below 0.00001; TOPMed below 0.00001.
gnomAD v4.1: 1 of 1,614,138 alleles (0.000062%); highest among the groups gnomAD compares: East Asian, 0.0022%; no homozygotes.

Submissions (5):

Natera, Inc.
Classification: Likely pathogenic for Methylmalonic aciduria due to complete methylmalonyl-CoA mutase deficiency. Last evaluated: 2024-07-18. Review status: criteria provided, single submitter. Criteria: Natera Variant Classification Schema (03/2026). Collection method: clinical testing. Allele origin: germline.
Comment: The c.1159A>C variant in MMUT is a missense variant predicted to cause substitution of threonine to proline at amino acid 387. This variant is rare in the general population with a frequency below the threshold expected for the associated phenotype(s). This variant has been observed in one or more individuals affected with the associated recessive disease, as either homozygous or compound heterozygous with a second variant (PMID: 36105101, 35361390, 34668645). Computational prediction algorithms indicate this variant is likely to affect gene or protein function. Given the available evidence, this variant is classified as Likely Pathogenic.

Labcorp Genetics (formerly Invitae), Labcorp
Classification: Pathogenic. Last evaluated: 2023-10-30. Review status: criteria provided, single submitter. Criteria: Invitae Variant Classification Sherloc (09022015). Collection method: clinical testing. Allele origin: germline.
Comment: This sequence change replaces threonine, which is neutral and polar, with proline, which is neutral and non-polar, at codon 387 of the MUT protein (p.Thr387Pro). This variant is not present in population databases (gnomAD no frequency). This missense change has been observed in individual(s) with methylmalonic aciduria (PMID: 31622506, 31813137). ClinVar contains an entry for this variant (Variation ID: 1422287). Advanced modeling of protein sequence and biophysical properties (such as structural, functional, and spatial information, amino acid conservation, physicochemical variation, residue mobility, and thermodynamic stability) performed at Invitae indicates that this missense variant is expected to disrupt MUT protein function with a positive predictive value of 95%. For these reasons, this variant has been classified as Pathogenic.

Fulgent Genetics
Classification: Likely pathogenic for Methylmalonic aciduria due to methylmalonyl-CoA mutase deficiency. Last evaluated: 2022-05-11. Review status: criteria provided, single submitter. Criteria: ACMG Guidelines, 2015. Collection method: clinical testing. Allele origin: unknown.

Juno Genomics, Hangzhou Juno Genomics, Inc
Classification: Pathogenic for Methylmalonic aciduria due to methylmalonyl-CoA mutase deficiency. Review status: criteria provided, single submitter. Criteria: ACMG Guidelines, 2015. Collection method: clinical testing. Allele origin: germline.
Comment: Absent from controls (or at extremely low frequency if recessive) in Genome Aggregation Database.;Multiple lines of computational evidence support a deleterious effect on the gene or gene product.;For recessive disorders, detected in trans with a pathogenic variant.

Neonatal Disease Screening Center, Medical Genetics Center, Huaihua City Maternal and Child Health Care Hospital
Classification: Pathogenic for Methylmalonic aciduria due to methylmalonyl-CoA mutase deficiency. Review status: no assertion criteria provided. Criteria: ACMG Guidelines, 2015. Collection method: clinical testing. Allele origin: germline. Affected: yes. Observed: 1 variant allele. Not counted in ClinVar's aggregate classification.
Comment: PM2_P+PM3_VS+PP3+PP4

Literature cited by the submitters: PubMed 36105101 (cited by Natera, Inc.); PubMed 35361390 (cited by Natera, Inc.); PubMed 34668645 (cited by Natera, Inc.); PubMed 31622506 (cited by Labcorp Genetics (formerly Invitae), Labcorp); PubMed 31813137 (cited by Labcorp Genetics (formerly Invitae), Labcorp).

NM_000255.4(MMUT):c.1159A>C (p.Thr387Pro)

Gene: MMUT (methylmalonyl-CoA mutase; minus strand). Cytogenetic location: 6p12.3.
Variant type: single nucleotide variant.
Coding change: c.1159A>C on transcript NM_000255.4 (MANE Select); coding-DNA position 1159, A replaced by C.
Protein change: p.Thr387Pro; replaces threonine 387 with proline.
Molecular consequence: missense variant.
Genome position (GRCh38, 1-based): chr6:49,451,639, T>G on the plus strand (A>C on the coding strand, the complement: MMUT is on the minus strand). VCF-style: chr6-49451639-T-G. GRCh37 (hg19) VCF-style: chr6-49419352-T-G.
Other names: c.1159A>C (NM_000255.3); short protein forms T387P.
Identifiers: ClinVar variation 1422287 (VCV001422287.12), dbSNP rs1767556193, ClinGen allele CA364398995.
Genomic context (GRCh38, chr6:49,451,639, plus strand): 5'-TCCTGGCAATTCGAGCACTTTTCACAGTTGGCAAACCCAAAGCTTCATCAAAAGAATTTG[T>G]GTGCAAAGACTGAGTCCCTCCAAATACTGCTGCCATTGCTTCTATTGCAGTACGGACAAT-3'
Protein context (NP_000246.2, residues 377-397): AVFGGTQSLH[Thr387Pro]NSFDEALGLP